The following is an entry in ClinVar:

ClinVar aggregate classification (germline): Uncertain significance. Review status: criteria provided, multiple submitters, no conflicts (2 of 4 stars). 3 submissions from 3 submitters: Uncertain significance (3). Last evaluated 2026-01-27.

Conditions:
STRC-related disorder. Also called: STRC-related condition.
Inborn genetic diseases. Identifiers: MedGen C0950123, MeSH D030342.

Allele frequency attached by ClinVar (database versions not stated): gnomAD exomes 0.00002 and 0.00006; ExAC 0.00008; ESP Exome Variant Server 0.00008; gnomAD 0.00011 and 0.00012; TOPMed 0.00022; 1000 Genomes Project 30x 0.00031; 1000 Genomes Project 0.00040.
gnomAD v4.1: 43 of 1,601,414 alleles (0.0027%); highest among the groups gnomAD compares: African/African-American, 0.048%; no homozygotes.

Submissions (3):

PreventionGenetics, part of Exact Sciences
Classification: Uncertain significance for STRC-related condition. Last evaluated: 2026-01-27. Review status: criteria provided, single submitter. Criteria: ACMG Guidelines, 2015. Collection method: clinical testing. Allele origin: germline.
Comment: The STRC c.3817T>C variant is predicted to result in the amino acid substitution p.Ser1273Pro. To our knowledge, this variant has not been reported in the literature. This variant is reported in 0.060% of alleles in individuals of African descent in gnomAD. At this time, the clinical significance of this variant is uncertain due to the absence of conclusive functional and genetic evidence.

Ambry Genetics
Classification: Uncertain significance for Inborn genetic diseases. Last evaluated: 2025-06-07. Review status: criteria provided, single submitter. Criteria: Ambry Variant Classification Scheme 2023. Collection method: clinical testing. Allele origin: germline.

Laboratory for Molecular Medicine, Mass General Brigham Personalized Medicine
Classification: Uncertain significance. Last evaluated: 2014-06-19. Review status: criteria provided, single submitter. Criteria: LMM Criteria. Collection method: clinical testing. Allele origin: germline. Observed: 1 variant allele.
Comment: Variant classified as Uncertain Significance - Favor Benign. The Ser1273Pro vari ant in STRC has not been previously reported in individuals with hearing loss, b ut has been identified in 1/4398 of African American chromosomes by the NHLBI Ex ome Sequencing Project (dbSNP rs144626173). Th e serine (Ser) at position 1273 is not conserved in mammals and evolutionarily d istant species, with many birds and reptiles having a proline (Pro) at this posi tion, suggesting that this change may be tolerated. Other computational tools d o not provide strong support for or against an impact to the protein. In summary , the clinical significance of this variant cannot be determined with certainty; however based upon the arguments described above, we would lean towards a more likely benign role.

NM_153700.2(STRC):c.3817T>C (p.Ser1273Pro)

Gene: STRC (stereocilin; minus strand). Cytogenetic location: 15q15.3.
Variant type: single nucleotide variant.
Coding change: c.3817T>C on transcript NM_153700.2 (MANE Select); coding-DNA position 3817, T replaced by C.
Protein change: p.Ser1273Pro; replaces serine 1273 with proline.
Molecular consequence: missense variant.
Genome position (GRCh38, 1-based): chr15:43,605,377, A>G on the plus strand (T>C on the coding strand, the complement: STRC is on the minus strand). VCF-style: chr15-43605377-A-G. GRCh37 (hg19) VCF-style: chr15-43897575-A-G.
Other names: short protein forms S1273P.
Identifiers: ClinVar variation 165314 (VCV000165314.7), dbSNP rs144626173, ClinGen allele CA178055.